The following is an entry in ClinVar:

NC_000015.9:g.(?_89860587)_(89860787_?)del

Gene: POLG (DNA polymerase gamma, catalytic subunit; minus strand). Cytogenetic location: 15q26.1.
Variant type: Deletion.
Identifiers: ClinVar variation 3243750 (VCV003243750.1).

ClinVar aggregate classification (germline): Pathogenic (1 of 4 stars; one submission).

Conditions:
Progressive sclerosing poliodystrophy (MTDPS4A). Also called: ALPERS PROGRESSIVE INFANTILE POLIODYSTROPHY; NEURONAL DEGENERATION OF CHILDHOOD WITH LIVER DISEASE, PROGRESSIVE; Mitochondrial DNA Depletion Syndrome 4A; Alpers-Huttenlocher Syndrome (AHS); Alpers Syndrome; ALPERS DIFFUSE DEGENERATION OF CEREBRAL GRAY MATTER WITH HEPATIC CIRRHOSIS. Identifiers: Orphanet 726, MedGen C0205710, MONDO:0008758, OMIM 203700.

Submission:

Labcorp Genetics (formerly Invitae), Labcorp
Classification: Pathogenic for Progressive sclerosing poliodystrophy. Last evaluated: 2023-05-02. Review status: criteria provided, single submitter. Criteria: Invitae Variant Classification Sherloc (09022015). Collection method: clinical testing. Allele origin: unknown.
Comment: For these reasons, this variant has been classified as Pathogenic. This variant disrupts a region of the POLG protein in which other variant(s) (p.Lys1191Asn) have been determined to be pathogenic (PMID: 16621917, 19538466, 30423451). This suggests that this is a clinically significant region of the protein, and that variants that disrupt it are likely to be disease-causing. This variant has not been reported in the literature in individuals affected with POLG-related conditions. This variant is a gross deletion of the genomic region encompassing exon(s) 22 of the POLG gene. While this deletion is not anticipated to lead to nonsense mediated decay, it is expected to disrupt the C-terminus of the protein.

Literature cited by the submitters: PubMed 16621917; PubMed 19538466; PubMed 30423451.